The following is an entry in ClinVar:

ClinVar aggregate classification (germline): Benign (1 of 4 stars; one submission).

Conditions:
Hypomyelination and Congenital Cataract (HLD5). Also called: hypomyelinating leukodystrophy 5. Identifiers: Orphanet 85163, MedGen C1864663, MONDO:0012514, OMIM 610532.

Allele frequency attached by ClinVar (database versions not stated): 1000 Genomes Project 0.22504; 1000 Genomes Project 30x 0.22533; TOPMed 0.26983; gnomAD 0.28000 and 0.28118; gnomAD exomes 0.40000.
gnomAD v4.1: 42,558 of 152,064 alleles (28%); highest among the groups gnomAD compares: Non-Finnish European, 33%; 6,139 homozygotes.

Submission:

Illumina Laboratory Services, Illumina
Classification: Benign for Hypomyelination and Congenital Cataract. Last evaluated: 2018-01-13. Review status: criteria provided, single submitter. Criteria: ICSL Variant Classification Criteria 13 December 2019. Collection method: clinical testing. Allele origin: germline.
Comment: This variant was observed in the ICSL laboratory as part of a predisposition screen in an ostensibly healthy population. It had not been previously curated by ICSL or reported in the Human Gene Mutation Database (HGMD: prior to June 1st, 2018), and was therefore a candidate for classification through an automated scoring system. Utilizing variant allele frequency, disease prevalence and penetrance estimates, and inheritance mode, an automated score was calculated to assess if this variant is too frequent to cause the disease. Based on the score and internal cut-off values, a variant classified as benign is not then subjected to further curation. The score for this variant resulted in a classification of benign for this disease.

NM_032581.4(HYCC1):c.*1608A>G

Gene: HYCC1 (hyccin PI4KA lipid kinase complex subunit 1; minus strand). Cytogenetic location: 7p15.3.
Variant type: single nucleotide variant.
Coding change: c.*1608A>G on transcript NM_032581.4 (MANE Select); 1608 bases downstream of the stop codon, A replaced by G.
Molecular consequence: 3 prime UTR variant.
Genome position (GRCh38, 1-based): chr7:22,943,981, T>C on the plus strand (A>G on the coding strand, the complement: HYCC1 is on the minus strand). VCF-style: chr7-22943981-T-C. GRCh37 (hg19) VCF-style: chr7-22983600-T-C.
Other names: c.*2210A>G (NM_001363466.2); c.*2168A>G (NM_001363467.2).
Identifiers: ClinVar variation 359743 (VCV000359743.5), dbSNP rs10488277, ClinGen allele CA10625792.
Genomic context (GRCh38, chr7:22,943,981, plus strand): 5'-TAAACAGGGCTAATGAATGAAAACGAGTTCATGCTTTTTGAAGAACTCGGTTTAAACTGG[T>C]AGCCAAAGCAGTTGCAGTTAAAACTATGTCCAGAGTATAAATGCTTTGGCAGCCTTCAAA-3'